The following is an entry in ClinVar:

ClinVar aggregate classification (germline): Pathogenic (1 of 4 stars; one submission).

Conditions:
Mucolipidosis type II. Also called: ML II ALPHA/BETA; Mucolipidosis 2; ML 2; Inclusion cell disease; Leroy Disease; N-acetylglucosamine 1phosphotransferase deficiency. Identifiers: Orphanet 576, MedGen C2673377, MONDO:0009650, OMIM 252500.
Pseudo-Hurler polydystrophy. Also called: ML III; ML III ALPHA/BETA; Type III Mucolipidosis; ML IIIA; Mucolipidosis III Alpha/Beta; MUCOLIPIDOSIS IIIA. Identifiers: Orphanet 423461, Orphanet 577, MedGen C0033788, MONDO:0018931, OMIM 252600.

Submission:

Labcorp Genetics (formerly Invitae), Labcorp
Classification: Pathogenic for Pseudo-Hurler polydystrophy; Mucolipidosis type II. Last evaluated: 2023-07-10. Review status: criteria provided, single submitter. Criteria: Invitae Variant Classification Sherloc (09022015). Collection method: clinical testing. Allele origin: germline.
Comment: For these reasons, this variant has been classified as Pathogenic. This variant has not been reported in the literature in individuals affected with GNPTAB-related conditions. This variant is not present in population databases (gnomAD no frequency). This sequence change creates a premature translational stop signal (p.Ile499*) in the GNPTAB gene. It is expected to result in an absent or disrupted protein product. Loss-of-function variants in GNPTAB are known to be pathogenic (PMID: 19617216, 25107912).

Literature cited by the submitters: PubMed 19617216; PubMed 25107912.

NM_024312.5(GNPTAB):c.1495del (p.Gly498_Ile499insTer)

Gene: GNPTAB (N-acetylglucosamine-1-phosphate transferase subunits alpha and beta; minus strand). Cytogenetic location: 12q23.2.
Variant type: Deletion.
Coding change: c.1495del on transcript NM_024312.5 (MANE Select); coding-DNA position 1495, one base deleted (A; older notation c.1495delA).
Protein change: p.Gly498_Ile499insTer.
Molecular consequence: nonsense.
Genome position (GRCh38, 1-based): chr12:101,766,208, T deleted on the plus strand (A on the coding strand, the reverse complement: GNPTAB is on the minus strand); the first of 2 consecutive T bases (chr12:101,766,208-101,766,209); deleting either gives the same sequence. VCF-style (leftmost placement, unchanged base first): chr12-101766207-AT-A. GRCh37 (hg19) VCF-style: chr12-102159985-AT-A.
Identifiers: ClinVar variation 2949474 (VCV002949474.3), dbSNP rs2547958706, ClinGen allele CA2575265010.
Genomic context (GRCh38, chr12:101,766,207, plus strand): 5'-CAGAACTTATCAGCGAGCCAGGAATTCGCACATCCCTGATTACAGTAAGAGACACTGTTT[AT>A]TCCTCCACCAAACTGCCAGGGCTGTCCAACTCCAATACTCCCAGTACCTCCACCTCCTGC-3'